The following is an entry in ClinVar:

ClinVar aggregate classification (germline): Likely benign. Review status: criteria provided, multiple submitters, no conflicts (2 of 4 stars). 2 submissions from 2 submitters: Likely benign (2). Last evaluated 2018-01-12.

Conditions:
Sclerosteosis 1 (SOST1). Also called: CORTICAL HYPEROSTOSIS WITH SYNDACTYLY. Identifiers: Orphanet 3152, MedGen C4551483, MONDO:0010016, OMIM 269500.

Allele frequency attached by ClinVar (database versions not stated): gnomAD 0.00239 and 0.00249; TOPMed 0.00263; 1000 Genomes Project 30x 0.00297; 1000 Genomes Project 0.00339.

Submissions (2):

Illumina Laboratory Services, Illumina
Classification: Likely benign for Sclerosteosis 1. Last evaluated: 2018-01-12. Review status: criteria provided, single submitter. Criteria: ICSL Variant Classification Criteria 13 December 2019. Collection method: clinical testing. Allele origin: germline.
Comment: This variant was observed in the ICSL laboratory as part of a predisposition screen in an ostensibly healthy population. It had not been previously curated by ICSL or reported in the Human Gene Mutation Database (HGMD: prior to June 1st, 2018), and was therefore a candidate for classification through an automated scoring system. Utilizing variant allele frequency, disease prevalence and penetrance estimates, and inheritance mode, an automated score was calculated to assess if this variant is too frequent to cause the disease. Based on the score and internal cut-off values, a variant classified as likely benign is not then subjected to further curation. The score for this variant resulted in a classification of likely benign for this disease.

Breakthrough Genomics
Classification: Likely benign. Review status: criteria provided, single submitter. Criteria: ACMG Guidelines, 2015. Collection method: not provided. Allele origin: germline. Inheritance: Autosomal recessive inheritance. Affected: yes.

NM_025237.3(SOST):c.*1391G>C

Gene: SOST (sclerostin; minus strand). Cytogenetic location: 17q21.31.
Variant type: single nucleotide variant.
Coding change: c.*1391G>C on transcript NM_025237.3 (MANE Select); 1391 bases downstream of the stop codon, G replaced by C.
Molecular consequence: 3 prime UTR variant.
Genome position (GRCh38, 1-based): chr17:43,753,951, C>G on the plus strand (G>C on the coding strand, the complement: SOST is on the minus strand). VCF-style: chr17-43753951-C-G. GRCh37 (hg19) VCF-style: chr17-41831319-C-G.
Identifiers: ClinVar variation 890523 (VCV000890523.5), dbSNP rs144304911, ClinGen allele CA290856013.